The following is an entry in ClinVar:

NM_003114.5(SPAG1):c.420dup (p.Gly141fs)

Gene: SPAG1 (sperm associated antigen 1; plus strand). Cytogenetic location: 8q22.2.
Variant type: Duplication.
Coding change: c.420dup on transcript NM_003114.5 (MANE Select); coding-DNA position 420, one base duplicated (A; older notation c.420dupA).
Protein change: p.Gly141fs; shifts the reading frame from glycine 141.
Molecular consequence: frameshift variant.
Genome position (GRCh38, 1-based): chr8:100,177,935, A duplicated. VCF-style (leftmost placement, unchanged base first): chr8-100177934-T-TA. GRCh37 (hg19) VCF-style: chr8-101190162-T-TA.
Other names: c.420dup, p.Gly141fs (NM_001374321.1, NM_172218.3); short protein forms G141fs.
Identifiers: ClinVar variation 5021444 (VCV005021444.1).

ClinVar aggregate classification (germline): Likely pathogenic (1 of 4 stars; one submission).

Conditions:
Primary ciliary dyskinesia 28. Also called: CILIARY DYSKINESIA, PRIMARY, 28, WITH OR WITHOUT SITUS INVERSUS. Identifiers: Orphanet 244, MedGen C3809706, MONDO:0014216, OMIM 615505.

Submission:

Suma Genomics
Classification: Likely pathogenic for Primary ciliary dyskinesia 28. Last evaluated: 2026-09-22. Review status: criteria provided, single submitter. Criteria: ACMG Guidelines, 2015. Collection method: clinical testing. Allele origin: germline. Inheritance: Autosomal recessive inheritance. Affected: yes. Observed: 1 variant allele, 1 homozygote.
Comment: This variant is not observed in the gnomAD database. Biallelic loss-of-function variants in SPAG1 are associated with Ciliary dyskinesia, primary, 28 (MIM# 615505). ACMG classification: Likely pathogenic Criteria met: PVS1: Null variant in a gene where loss of function is a known mechanism of disease PM2_Supporting: Extremely low frequency in gnomAD population databases